The following is an entry in ClinVar:

ClinVar aggregate classification (germline): Conflicting classifications of pathogenicity. Review status: criteria provided, conflicting classifications (1 of 4 stars). 5 submissions from 5 submitters: Uncertain significance (2); Likely benign (2). 1 of the submissions does not count toward it. Last evaluated 2025-11-19.

Conditions:
Inborn genetic diseases. Identifiers: MedGen C0950123, MeSH D030342.
Carnitine palmitoyltransferase II deficiency. Also called: Carnitine Palmitoyltransferase 2 Deficiency. Identifiers: Orphanet 157, MedGen C0342790, MONDO:0015515.

Allele frequency attached by ClinVar (database versions not stated): gnomAD exomes 0.00002 and 0.00004; gnomAD 0.00003; TOPMed 0.00003; ExAC 0.00008.
gnomAD v4.1: 34 of 1,614,034 alleles (0.0021%); highest among the groups gnomAD compares: Middle Eastern, 0.016%; no homozygotes.

Submissions (5):

Labcorp Genetics (formerly Invitae), Labcorp
Classification: Likely benign for Carnitine palmitoyltransferase II deficiency. Last evaluated: 2025-11-19. Review status: criteria provided, single submitter. Criteria: Invitae Variant Classification Sherloc (09022015). Collection method: clinical testing. Allele origin: germline.

GeneDx
Classification: Uncertain significance. Last evaluated: 2025-08-25. Review status: criteria provided, single submitter. Criteria: GeneDx Variant Classification Process June 2021. Collection method: clinical testing. Allele origin: germline. Affected: yes.
Comment: In silico analysis supports that this missense variant has a deleterious effect on protein structure/function; Has not been previously published as pathogenic or benign to our knowledge; Not observed at significant frequency in large population cohorts (gnomAD)

Ambry Genetics
Classification: Uncertain significance for Inborn genetic diseases. Last evaluated: 2023-06-23. Review status: criteria provided, single submitter. Criteria: Ambry Variant Classification Scheme 2023. Collection method: clinical testing. Allele origin: germline.

Blueprint Genetics
Classification: Likely benign. Last evaluated: 2022-11-29. Review status: criteria provided, single submitter. Criteria: ACMG Guidelines, 2015. Collection method: clinical testing. Allele origin: germline.

Natera, Inc.
Classification: Uncertain significance for Carnitine palmitoyltransferase II deficiency. Last evaluated: 2020-09-16. Review status: no assertion criteria provided. Collection method: clinical testing. Allele origin: germline. Not counted in ClinVar's aggregate classification.

NM_000098.3(CPT2):c.985G>T (p.Asp329Tyr)

Gene: CPT2 (carnitine palmitoyltransferase 2; plus strand). Cytogenetic location: 1p32.3.
Variant type: single nucleotide variant.
Coding change: c.985G>T on transcript NM_000098.3 (MANE Select); coding-DNA position 985, G replaced by T.
Protein change: p.Asp329Tyr; replaces aspartic acid 329 with tyrosine.
Molecular consequence: missense variant.
Genome position (GRCh38, 1-based): chr1:53,210,659, G>T. VCF-style: chr1-53210659-G-T. GRCh37 (hg19) VCF-style: chr1-53676331-G-T.
Other names: c.985G>T, p.Asp329Tyr (NM_001330589.2); short protein forms D329Y.
Identifiers: ClinVar variation 460438 (VCV000460438.17), dbSNP rs750191719, ClinGen allele CA859098.
Genomic context (GRCh38, chr1:53,210,659, plus strand): 5'-AGTGGCAATGAGGAGAGCCTGAGGAAAGTGGACTCGGCAGTGTTCTGTCTCTGCCTAGAT[G>T]ACTTCCCCATTAAGGACCTTGTCCACTTGTCCCACAATATGCTGCATGGGGATGGCACAA-3'
Protein context (NP_000089.1, residues 319-339): DSAVFCLCLD[Asp329Tyr]FPIKDLVHLS